The following is an entry in ClinVar:

NM_004168.4(SDHA):c.1526C>G (p.Ser509Trp)

Gene: SDHA (succinate dehydrogenase complex flavoprotein subunit A; plus strand). Cytogenetic location: 5p15.33.
Variant type: single nucleotide variant.
Coding change: c.1526C>G on transcript NM_004168.4 (MANE Select); coding-DNA position 1526, C replaced by G.
Protein change: p.Ser509Trp; replaces serine 509 with tryptophan.
Molecular consequence: missense variant.
Genome position (GRCh38, 1-based): chr5:240,451, C>G. VCF-style: chr5-240451-C-G. GRCh37 (hg19) VCF-style: chr5-240566-C-G.
Other names: c.1382C>G, p.Ser461Trp (NM_001294332.2); c.1526C>G, p.Ser509Trp (NM_001330758.2); short protein forms S509W, S461W.
Identifiers: ClinVar variation 809726 (VCV000809726.51), dbSNP rs397514541, ClinGen allele CA112829740.
Genomic context (GRCh38, chr5:240,451, plus strand): 5'-GGGAAGAATCTGTCATGAATCTTGACAAATTGAGATTTGCTGATGGAAGCATAAGAACAT[C>G]GGAACTGCGACTCAGCATGCAGAAGGTAAGAGCCTGGACTCGCTCTGGAGTGAGCAGGAG-3'
Protein context (NP_004159.2, residues 499-519): LRFADGSIRT[Ser509Trp]ELRLSMQKSM

ClinVar aggregate classification (germline): Conflicting classifications of pathogenicity. Review status: criteria provided, conflicting classifications (1 of 4 stars). 3 submissions from 3 submitters: Likely pathogenic (1); Uncertain significance (2). Last evaluated 2025-10-05.

Conditions:
Pheochromocytoma/paraganglioma syndrome 5. Also called: SDHA-Related Hereditary Paraganglioma-Pheochromocytoma Syndrome; Paragangliomas 5. Identifiers: Orphanet 29072, MedGen C3279992, MONDO:0013602, OMIM 614165.
Mitochondrial complex II deficiency, nuclear type 1. Also called: SUCCINATE CoQ REDUCTASE DEFICIENCY. Identifiers: Orphanet 3208, MedGen C5700310, MONDO:0100294, OMIM 252011.
Hereditary cancer-predisposing syndrome. Also called: Tumor predisposition; Hereditary neoplastic syndrome; Neoplastic Syndromes, Hereditary; Hereditary Cancer Syndrome. Identifiers: Orphanet 140162, MedGen C0027672, MeSH D009386, MONDO:0015356.

Allele frequency attached by ClinVar (database versions not stated): TOPMed 0.00004; gnomAD exomes below 0.00001; gnomAD 0.00003 and 0.00004.

Submissions (3):

Labcorp Genetics (formerly Invitae), Labcorp
Classification: Uncertain significance for Pheochromocytoma/paraganglioma syndrome 5; Mitochondrial complex II deficiency, nuclear type 1. Last evaluated: 2025-10-05. Review status: criteria provided, single submitter. Criteria: Invitae Variant Classification Sherloc (09022015). Collection method: clinical testing. Allele origin: germline.
Comment: This sequence change replaces serine, which is neutral and polar, with tryptophan, which is neutral and slightly polar, at codon 509 of the SDHA protein (p.Ser509Trp). This variant is present in population databases (no rsID available, gnomAD 0.0009%). This variant has not been reported in the literature in individuals affected with SDHA-related conditions. ClinVar contains an entry for this variant (Variation ID: 809726). Invitae Evidence Modeling of protein sequence and biophysical properties (such as structural, functional, and spatial information, amino acid conservation, physicochemical variation, residue mobility, and thermodynamic stability) has been performed for this missense variant. However, the output from this modeling did not meet the statistical confidence thresholds required to predict the impact of this variant on SDHA protein function. In summary, the available evidence is currently insufficient to determine the role of this variant in disease. Therefore, it has been classified as a Variant of Uncertain Significance.

Ambry Genetics
Classification: Uncertain significance for Hereditary cancer-predisposing syndrome. Last evaluated: 2024-01-30. Review status: criteria provided, single submitter. Criteria: Ambry Variant Classification Scheme 2023. Collection method: clinical testing. Allele origin: germline.
Comment: The p.S509W variant (also known as c.1526C>G), located in coding exon 11 of the SDHA gene, results from a C to G substitution at nucleotide position 1526. The serine at codon 509 is replaced by tryptophan, an amino acid with highly dissimilar properties. This amino acid position is highly conserved in available vertebrate species. In addition, this alteration is predicted to be deleterious by in silico analysis. Since supporting evidence is limited at this time, the clinical significance of this alteration remains unclear.

CeGaT Center for Human Genetics Tuebingen
Classification: Likely pathogenic. Last evaluated: 2018-07-01. Review status: criteria provided, single submitter. Criteria: CeGaT Center For Human Genetics Tuebingen Variant Classification Criteria Version 2. Collection method: clinical testing. Allele origin: germline. Affected: yes. Observed: 1 variant allele.